The following is an entry in ClinVar:

NM_005026.5(PIK3CD):c.2346T>C (p.Asp782=)

Gene: PIK3CD (phosphatidylinositol-4,5-bisphosphate 3-kinase catalytic subunit delta; plus strand). Cytogenetic location: 1p36.22.
Variant type: single nucleotide variant.
Coding change: c.2346T>C on transcript NM_005026.5 (MANE Select); coding-DNA position 2346, T replaced by C.
Protein change: p.Asp782=; no amino-acid change (aspartic acid 782 retained).
Molecular consequence: synonymous variant.
Genome position (GRCh38, 1-based): chr1:9,722,355, T>C. VCF-style: chr1-9722355-T-C. GRCh37 (hg19) VCF-style: chr1-9782413-T-C.
Other names: c.2343T>C, p.Asp781= (NM_001350234.2); c.2259T>C, p.Asp753= (NM_001350235.1).
Identifiers: ClinVar variation 3718084 (VCV003718084.2).

ClinVar aggregate classification (germline): Uncertain significance (1 of 4 stars; one submission).

Conditions:
Immunodeficiency 14 (IMD14A). Also called: IMMUNODEFICIENCY 14A WITH LYMPHOPROLIFERATION, AUTOSOMAL DOMINANT; p110-DELTA-ACTIVATING MUTATION CAUSING SENESCENT T CELLS, LYMPHADENOPATHY, AND IMMUNODEFICIENCY; ACTIVATED PI3K-DELTA SYNDROME 1; Activated PI3K Delta Syndrome Type 1 (APDS1). Identifiers: Orphanet 397596, Orphanet 693661, MedGen C5907821, MONDO:0014222, OMIM 615513.

gnomAD v4.1: 7 of 1,609,332 alleles (0.00043%); highest among the groups gnomAD compares: Non-Finnish European, 0.00059%; no homozygotes.

Submission:

Labcorp Genetics (formerly Invitae), Labcorp
Classification: Uncertain significance for Activated PI3K-delta syndrome. Last evaluated: 2024-06-04. Review status: criteria provided, single submitter. Criteria: Invitae Variant Classification Sherloc (09022015). Collection method: clinical testing. Allele origin: germline.
Comment: This sequence change affects codon 782 of the PIK3CD mRNA. It is a 'silent' change, meaning that it does not change the encoded amino acid sequence of the PIK3CD protein. It affects a nucleotide within the consensus splice site. This variant is not present in population databases (gnomAD no frequency). This variant has not been reported in the literature in individuals affected with PIK3CD-related conditions. Algorithms developed to predict the effect of sequence changes on RNA splicing suggest that this variant is not likely to affect RNA splicing. In summary, the available evidence is currently insufficient to determine the role of this variant in disease. Therefore, it has been classified as a Variant of Uncertain Significance.